The following is an entry in ClinVar:

NM_005188.4(CBL):c.2290C>T (p.Pro764Ser)

Gene: CBL (Cbl proto-oncogene; plus strand). Cytogenetic location: 11q23.3.
Variant type: single nucleotide variant.
Coding change: c.2290C>T on transcript NM_005188.4 (MANE Select); coding-DNA position 2290, C replaced by T.
Protein change: p.Pro764Ser; replaces proline 764 with serine.
Molecular consequence: missense variant.
Genome position (GRCh38, 1-based): chr11:119,298,396, C>T. VCF-style: chr11-119298396-C-T. GRCh37 (hg19) VCF-style: chr11-119169106-C-T.
Other names: short protein forms P764S.
Identifiers: ClinVar variation 3996021 (VCV003996021.2).

ClinVar aggregate classification (germline): Uncertain significance. Review status: criteria provided, multiple submitters, no conflicts (2 of 4 stars). 2 submissions from 2 submitters: Uncertain significance (2). Last evaluated 2025-04-14.

Conditions:
Cardiovascular phenotype. Identifiers: MedGen CN230736.

Submissions (2):

Ambry Genetics
Classification: Uncertain significance for Cardiovascular phenotype. Last evaluated: 2025-04-14. Review status: criteria provided, single submitter. Criteria: Ambry Variant Classification Scheme 2023. Collection method: clinical testing. Allele origin: germline.
Comment: The p.P764S variant (also known as c.2290C>T), located in coding exon 15 of the CBL gene, results from a C to T substitution at nucleotide position 2290. The proline at codon 764 is replaced by serine, an amino acid with similar properties. This amino acid position is conserved. In addition, this alteration is predicted to be tolerated by in silico analysis. Based on the available evidence, the clinical significance of this variant remains unclear.

Blueprint Genetics
Classification: Uncertain significance. Last evaluated: 2023-04-05. Review status: criteria provided, single submitter. Criteria: ACMG Guidelines, 2015. Collection method: clinical testing. Allele origin: germline.